The following is an entry in ClinVar:

ClinVar aggregate classification (germline): Conflicting classifications of pathogenicity. Review status: criteria provided, conflicting classifications (1 of 4 stars). 6 submissions from 6 submitters: Pathogenic (1); Likely pathogenic (2); Uncertain significance (1); Benign (1). 1 of the submissions does not count toward it. Last evaluated 2026-02-18.

Conditions:
Ichthyosis vulgaris. Also called: ICHTHYOSIS SIMPLEX; Dominant ichthyosis vulgaris. Identifiers: MedGen C0079584, MONDO:0024304, OMIM 146700.

Allele frequency attached by ClinVar (database versions not stated): 1000 Genomes Project 0.01158; gnomAD 0.00584; 1000 Genomes Project 30x 0.00984.
gnomAD v4.1: 2,222 of 1,613,260 alleles (0.14%); highest among the groups gnomAD compares: African/African-American, 1.9%; 21 homozygotes.

Submissions (6):

Dasa
Classification: Uncertain significance. Last evaluated: 2026-02-18. Review status: criteria provided, single submitter. Criteria: DASA Assertion Criteria. Collection method: clinical testing. Allele origin: germline.
Comment: NM_002016.2(FLG):c.5717C>A (p.Ser1906*) is a nonsense variant in FLG predicted to introduce a premature termination codon and is predicted to result in an absent or altered protein product. This variant has been recurrently observed in individuals with FLG-related disorders (PMID: 28407221; PMID: 38627868; PMID: 32066784). The currently available literature and clinical evidence are not sufficient to establish a definitive association between this variant and the reported condition. Therefore, this variant is classified as a variant of uncertain significance.

Department of Pathology and Laboratory Medicine, Sinai Health System
Classification: Likely pathogenic for Ichthyosis vulgaris. Last evaluated: 2023-10-20. Review status: criteria provided, single submitter. Criteria: ACMG Guidelines, 2015. Collection method: research. Allele origin: germline.

Mendelics
Classification: Pathogenic for Ichthyosis vulgaris. Last evaluated: 2022-05-04. Review status: criteria provided, single submitter. Criteria: Mendelics Assertion Criteria 2019. Collection method: clinical testing. Allele origin: germline.

H3Africa Consortium
Classification: Benign. Last evaluated: 2020-10-28. Review status: criteria provided, single submitter. Criteria: Choudhury A et al. (Nature 2020). Collection method: research. Allele origin: germline. Inheritance: Autosomal dominant inheritance. Study: H3Africa.
Comment: While the frequency of the alternate allele in gnoMAD v2.0.2 is 0.051, its frequency in African populations is >5%. This suggests that previous classifications of this variant as pathogenic are in error.

Soonchunhyang University Bucheon Hospital, Soonchunhyang University Medical Center
Classification: Likely pathogenic for Ichthyosis vulgaris. Last evaluated: 2016-03-18. Review status: criteria provided, single submitter. Criteria: ACMG Guidelines, 2015. Collection method: reference population. Allele origin: germline. Observed: 1 variant allele.

Reproductive Health Research and Development, BGI Genomics
Classification: Pathogenic for Ichthyosis vulgaris. Last evaluated: 2020-01-06. Review status: no assertion criteria provided. Collection method: curation. Allele origin: germline. Not counted in ClinVar's aggregate classification.
Comment: NM_002016.1:c.5717C>A in the FLG gene has an allele frequency of 0.013 in East Asia subpopulation in the gnomAD database.This variant is predicted to cause loss of normal protein function either through protein truncation or nonsense-mediated mRNA decay. The c.5717C>A (p.Ser1906*) variant has been detected in a patient affected with ichthyosis vulgaris (PMID: 28407221). Taken together, we interprete this variant as Pathogenic/Likely pathogenic. ACMG/AMP criteria applied: PVS1; PM2_supporting; PP4.

Literature cited by the submitters: PubMed 28407221 (cited by Dasa); PubMed 38627868 (cited by Dasa); PubMed 32066784 (cited by Dasa); PubMed 16550169 (cited by Soonchunhyang University Bucheon Hospital, Soonchunhyang University Medical Center); PubMed 16815158 (cited by Soonchunhyang University Bucheon Hospital, Soonchunhyang University Medical Center).

NM_002016.2(FLG):c.5717C>A (p.Ser1906Ter)

Genes: CCDST (cervical cancer associated DHX9 suppressive transcript; plus strand), FLG (filaggrin; minus strand). Cytogenetic location: 1q21.3.
Variant type: single nucleotide variant.
Coding change: c.5717C>A on transcript NM_002016.2 (MANE Select); coding-DNA position 5717, C replaced by A.
Protein change: p.Ser1906Ter; replaces serine 1906 with a stop codon.
Molecular consequence: nonsense.
Genome position (GRCh38, 1-based): chr1:152,309,169, G>T on the plus strand (C>A on the coding strand, the complement: FLG is on the minus strand). VCF-style: chr1-152309169-G-T. GRCh37 (hg19) VCF-style: chr1-152281645-G-T.
Other names: short protein forms S1906*.
Identifiers: ClinVar variation 225363 (VCV000225363.13), dbSNP rs141784184, ClinGen allele CA1105629.